The following is an entry in ClinVar:

ClinVar aggregate classification (germline): Uncertain significance. Review status: criteria provided, multiple submitters, no conflicts (2 of 4 stars). 2 submissions from 2 submitters: Uncertain significance (2). Last evaluated 2023-10-18.

Allele frequency attached by ClinVar (database versions not stated): gnomAD exomes 0.00002; TOPMed 0.00002; gnomAD 0.00003.
gnomAD v4.1: 33 of 1,552,546 alleles (0.0021%); highest among the groups gnomAD compares: African/African-American, 0.0055%; no homozygotes.

Submissions (2):

Blueprint Genetics
Classification: Uncertain significance. Last evaluated: 2023-10-18. Review status: criteria provided, single submitter. Criteria: ACMG Guidelines, 2015. Collection method: clinical testing. Allele origin: germline.

Labcorp Genetics (formerly Invitae), Labcorp
Classification: Uncertain significance. Last evaluated: 2022-09-27. Review status: criteria provided, single submitter. Criteria: Invitae Variant Classification Sherloc (09022015). Collection method: clinical testing. Allele origin: germline.
Comment: This sequence change replaces arginine, which is basic and polar, with cysteine, which is neutral and slightly polar, at codon 3217 of the SZT2 protein (p.Arg3217Cys). This variant is present in population databases (no rsID available, gnomAD 0.009%). This variant has not been reported in the literature in individuals affected with SZT2-related conditions. ClinVar contains an entry for this variant (Variation ID: 1024625). Advanced modeling of protein sequence and biophysical properties (such as structural, functional, and spatial information, amino acid conservation, physicochemical variation, residue mobility, and thermodynamic stability) performed at Invitae indicates that this missense variant is expected to disrupt SZT2 protein function. In summary, the available evidence is currently insufficient to determine the role of this variant in disease. Therefore, it has been classified as a Variant of Uncertain Significance.

NM_001365999.1(SZT2):c.9820C>T (p.Arg3274Cys)

Genes: SZT2 (SZT2 subunit of KICSTOR complex; plus strand), SZT2-AS1 (SZT2 antisense RNA 1; minus strand). Cytogenetic location: 1p34.2.
Variant type: single nucleotide variant.
Coding change: c.9820C>T on transcript NM_001365999.1 (MANE Select); coding-DNA position 9820, C replaced by T.
Protein change: p.Arg3274Cys; replaces arginine 3274 with cysteine.
Molecular consequence: missense variant. On other transcripts: non-coding transcript variant (1).
Genome position (GRCh38, 1-based): chr1:43,448,335, C>T. VCF-style: chr1-43448335-C-T. GRCh37 (hg19) VCF-style: chr1-43914006-C-T.
Other names: c.9649C>T, p.Arg3217Cys (NM_015284.4); short protein forms R3217C, R3274C.
Identifiers: ClinVar variation 1024625 (VCV001024625.7), dbSNP rs1025832662, ClinGen allele CA21653384.
Genomic context (GRCh38, chr1:43,448,335, plus strand): 5'-GAGGTGGGCATGGCACGAGCACGGCTGGCTCAGCTGGTGCGGCTGGCTGGAGGGCACTGC[C>T]GTCGGGACACCCTTTGGAAGCGCCTCTTCTTGCTGGAGCCACCGGGGCCTGATCGACTGC-3'
Protein context (NP_001352928.1, residues 3264-3284): QLVRLAGGHC[Arg3274Cys]RDTLWKRLFL